The following is an entry in ClinVar:

ClinVar aggregate classification (germline): Likely benign. Review status: criteria provided, multiple submitters, no conflicts (2 of 4 stars). 2 submissions from 2 submitters: Likely benign (2). Last evaluated 2024-04-05.

Allele frequency attached by ClinVar (database versions not stated): gnomAD exomes 0.00014; ExAC 0.00017; TOPMed 0.00018; gnomAD 0.00020 and 0.00021; ESP Exome Variant Server 0.00040.
gnomAD v4.1: 309 of 1,614,180 alleles (0.019%); highest among the groups gnomAD compares: Non-Finnish European, 0.022%; no homozygotes.

Submissions (2):

Blueprint Genetics
Classification: Likely benign. Last evaluated: 2024-04-05. Review status: criteria provided, single submitter. Criteria: ACMG Guidelines, 2015. Collection method: clinical testing. Allele origin: germline.

Laboratory for Molecular Medicine, Mass General Brigham Personalized Medicine
Classification: Likely benign. Last evaluated: 2014-11-24. Review status: criteria provided, single submitter. Criteria: LMM Criteria. Collection method: clinical testing. Allele origin: germline. Observed: 1 variant allele.
Comment: Ala38Ala in exon 2 of MITF: This variant is not expected to have clinical significance because it does not alter an amino acid residue and is not located within the splice consensus sequence. It has been identified in 0.1% (5/8354) of European American chromosomes from a broad population by the NHLBI Exome Sequencing Project.

NM_001354604.2(MITF):c.114C>T (p.Ala38=)

Gene: MITF (melanocyte inducing transcription factor; plus strand). Cytogenetic location: 3p13.
Variant type: single nucleotide variant.
Coding change: c.114C>T on transcript NM_001354604.2 (MANE Select); coding-DNA position 114, C replaced by T.
Protein change: p.Ala38=; no amino-acid change (alanine 38 retained).
Molecular consequence: synonymous variant. On other transcripts: 5 prime UTR variant (2).
Genome position (GRCh38, 1-based): chr3:69,879,143, C>T. VCF-style: chr3-69879143-C-T. GRCh37 (hg19) VCF-style: chr3-69928294-C-T.
Other names: c.-43C>T (NM_001184967.2, NM_001354608.2); c.111C>T, p.Ala37= (NM_001354605.2, NM_001354606.2, NM_006722.3); c.63C>T, p.Ala21= (NM_001354607.2); c.114C>T, p.Ala38= (NM_198159.3); c.66C>T, p.Ala22= (NM_198177.3).
Identifiers: ClinVar variation 929971 (VCV000929971.5), dbSNP rs374097282, ClinGen allele CA2490252.